The following is an entry in ClinVar:

NM_018192.4(P3H2):c.78C>T (p.Pro26=)

Gene: P3H2 (prolyl 3-hydroxylase 2; minus strand). Cytogenetic location: 3q28.
Variant type: single nucleotide variant.
Coding change: c.78C>T on transcript NM_018192.4 (MANE Select); coding-DNA position 78, C replaced by T.
Protein change: p.Pro26=; no amino-acid change (proline 26 retained).
Molecular consequence: synonymous variant. On other transcripts: intron variant (1).
Genome position (GRCh38, 1-based): chr3:190,120,654, G>A on the plus strand (C>T on the coding strand, the complement: P3H2 is on the minus strand). VCF-style: chr3-190120654-G-A. GRCh37 (hg19) VCF-style: chr3-189838443-G-A.
Other names: c.78C>T (NM_018192.3); c.-64+1549C>T (NM_001134418.2).
Identifiers: ClinVar variation 1148988 (VCV001148988.9), dbSNP rs753205259, ClinGen allele CA2753442.

ClinVar aggregate classification (germline): Likely benign. Review status: criteria provided, multiple submitters, no conflicts (2 of 4 stars). 3 submissions from 3 submitters: Likely benign (3). Last evaluated 2025-11-22.

Conditions:
P3H2-related disorder. Also called: P3H2-related condition.

Allele frequency attached by ClinVar (database versions not stated): gnomAD exomes 0.00001; 1000 Genomes Project 30x 0.00016; TOPMed 0.00018; gnomAD 0.00023 and 0.00024.
gnomAD v4.1: 58 of 1,525,532 alleles (0.0038%); highest among the groups gnomAD compares: African/African-American, 0.072%; no homozygotes.

Submissions (3):

Labcorp Genetics (formerly Invitae), Labcorp
Classification: Likely benign. Last evaluated: 2025-11-22. Review status: criteria provided, single submitter. Criteria: Invitae Variant Classification Sherloc (09022015). Collection method: clinical testing. Allele origin: germline.

PreventionGenetics, part of Exact Sciences
Classification: Likely benign for P3H2-related condition. Last evaluated: 2025-07-18. Review status: criteria provided, single submitter. Criteria: ACMG Guidelines, 2015. Collection method: clinical testing. Allele origin: germline.
Comment: This variant is classified as likely benign based on ACMG/AMP sequence variant interpretation guidelines (Richards et al. 2015 PMID: 25741868, with internal and published modifications).

Blueprint Genetics
Classification: Likely benign. Last evaluated: 2022-05-25. Review status: criteria provided, single submitter. Criteria: ACMG Guidelines, 2015. Collection method: clinical testing. Allele origin: germline.